The following is an entry in ClinVar:

NM_002291.3(LAMB1):c.1189+66A>G

Gene: LAMB1 (laminin subunit beta 1; minus strand). Cytogenetic location: 7q31.1.
Variant type: single nucleotide variant.
Coding change: c.1189+66A>G on transcript NM_002291.3 (MANE Select); 66 bases into the intron after coding-DNA position 1189, A replaced by G.
Molecular consequence: intron variant.
Genome position (GRCh38, 1-based): chr7:107,975,623, T>C on the plus strand (A>G on the coding strand, the complement: LAMB1 is on the minus strand). VCF-style: chr7-107975623-T-C. GRCh37 (hg19) VCF-style: chr7-107616068-T-C.
Identifiers: ClinVar variation 682971 (VCV000682971.2), dbSNP rs11760290, ClinGen allele CA12702959.

ClinVar aggregate classification (germline): Benign. Review status: criteria provided, multiple submitters, no conflicts (2 of 4 stars). 2 submissions from 2 submitters: Benign (2). Last evaluated 2018-06-14.

Allele frequency attached by ClinVar (database versions not stated): 1000 Genomes Project 0.09724; gnomAD 0.10022 and 0.10065; 1000 Genomes Project 30x 0.10087; TOPMed 0.10772.
gnomAD v4.1: 138,632 of 1,460,220 alleles (9.5%); highest among the groups gnomAD compares: Admixed American, 16%; 7,086 homozygotes.

Submissions (2):

GeneDx
Classification: Benign. Last evaluated: 2018-06-14. Review status: criteria provided, single submitter. Criteria: GeneDx Variant Classification (06012015). Collection method: clinical testing. Allele origin: germline. Affected: yes.
Comment: This variant is considered likely benign or benign based on one or more of the following criteria: it is a conservative change, it occurs at a poorly conserved position in the protein, it is predicted to be benign by multiple in silico algorithms, and/or has population frequency not consistent with disease.

Breakthrough Genomics
Classification: Benign. Review status: criteria provided, single submitter. Criteria: ACMG Guidelines, 2015. Collection method: not provided. Allele origin: germline. Inheritance: Autosomal recessive inheritance. Affected: yes.